The following is an entry in ClinVar:

ClinVar aggregate classification (germline): Uncertain significance (1 of 4 stars; one submission).

Conditions:
Hereditary spastic paraplegia 7 (SPG7). Also called: Autosomal recessive spastic paraplegia type 7; SPASTIC PARAPLEGIA 7, AUTOSOMAL RECESSIVE, WITH OR WITHOUT CEREBELLAR ATAXIA; Spastic paraplegia 7; Hereditary spastic paraplegia Paraplegin type; SPG7-related neurologic disorder. Identifiers: Orphanet 99013, MedGen C1846564, MONDO:0011803, OMIM 607259.

Allele frequency attached by ClinVar (database versions not stated): TOPMed below 0.00001; gnomAD 0.00001.
gnomAD v4.1: 1 of 1,614,004 alleles (0.000062%); highest among the groups gnomAD compares: Non-Finnish European, 0.000085%; no homozygotes.

Submission:

Labcorp Genetics (formerly Invitae), Labcorp
Classification: Uncertain significance for Hereditary spastic paraplegia 7. Last evaluated: 2024-11-11. Review status: criteria provided, single submitter. Criteria: Invitae Variant Classification Sherloc (09022015). Collection method: clinical testing. Allele origin: germline.
Comment: This sequence change replaces alanine, which is neutral and non-polar, with valine, which is neutral and non-polar, at codon 317 of the SPG7 protein (p.Ala317Val). This variant is not present in population databases (gnomAD no frequency). This variant has not been reported in the literature in individuals affected with SPG7-related conditions. ClinVar contains an entry for this variant (Variation ID: 2717526). Invitae Evidence Modeling of protein sequence and biophysical properties (such as structural, functional, and spatial information, amino acid conservation, physicochemical variation, residue mobility, and thermodynamic stability) indicates that this missense variant is not expected to disrupt SPG7 protein function with a negative predictive value of 80%. In summary, the available evidence is currently insufficient to determine the role of this variant in disease. Therefore, it has been classified as a Variant of Uncertain Significance.

NM_003119.4(SPG7):c.950C>T (p.Ala317Val)

Gene: SPG7 (SPG7 matrix AAA peptidase subunit, paraplegin; plus strand). Cytogenetic location: 16q24.3.
Variant type: single nucleotide variant.
Coding change: c.950C>T on transcript NM_003119.4 (MANE Select); coding-DNA position 950, C replaced by T.
Protein change: p.Ala317Val; replaces alanine 317 with valine.
Molecular consequence: missense variant.
Genome position (GRCh38, 1-based): chr16:89,530,771, C>T. VCF-style: chr16-89530771-C-T. GRCh37 (hg19) VCF-style: chr16-89597179-C-T.
Other names: c.950C>T, p.Ala317Val (NM_001363850.1, NM_199367.3); short protein forms A317V.
Identifiers: ClinVar variation 2717526 (VCV002717526.3), dbSNP rs1326769920, ClinGen allele CA397419182.
Genomic context (GRCh38, chr16:89,530,771, plus strand): 5'-TTGTGGATGGGAAGATGGGGAAAGGAGTCAGCTTCAAAGACGTGGCAGGAATGCACGAAG[C>T]CAAACTGGAAGTCCGCGAGTTTGTGGATTATCTGAAGGTGAAAGCAGCGTGGGCCGGGAG-3'
Protein context (NP_003110.1, residues 307-327): SFKDVAGMHE[Ala317Val]KLEVREFVDY